The following is an entry in ClinVar:

NM_020338.4(ZMIZ1):c.713T>C (p.Met238Thr)

Gene: ZMIZ1 (zinc finger MIZ-type containing 1; plus strand). Cytogenetic location: 10q22.3.
Variant type: single nucleotide variant.
Coding change: c.713T>C on transcript NM_020338.4 (MANE Select); coding-DNA position 713, T replaced by C.
Protein change: p.Met238Thr; replaces methionine 238 with threonine.
Molecular consequence: missense variant.
Genome position (GRCh38, 1-based): chr10:79,291,131, T>C. VCF-style: chr10-79291131-T-C. GRCh37 (hg19) VCF-style: chr10-81050888-T-C.
Other names: short protein forms M238T.
Identifiers: ClinVar variation 2501469 (VCV002501469.1), dbSNP rs1564587749, ClinGen allele CA377332593.
Genomic context (GRCh38, chr10:79,291,131, plus strand): 5'-GGCAGCAGCAGCAGTTCTCAGCCAAGGCTGGCCCCGCTCAGCCCTACATCCAGCAGAGCA[T>C]GTATGGCCGGCCCAACTACCCCGGCAGCGGGGGCTTTGGGGCCAGGTGAGCAGGGCTGAC-3'
Protein context (NP_065071.1, residues 228-248): GPAQPYIQQS[Met238Thr]YGRPNYPGSG

ClinVar aggregate classification (germline): Uncertain significance (1 of 4 stars; one submission).

Allele frequency attached by ClinVar (database versions not stated): gnomAD exomes below 0.00001.
gnomAD v4.1: 1 of 1,613,586 alleles (0.000062%); highest among the groups gnomAD compares: Non-Finnish European, 0.000085%; no homozygotes.

Submission:

GeneDx
Classification: Uncertain significance. Last evaluated: 2022-11-08. Review status: criteria provided, single submitter. Criteria: GeneDx Variant Classification Process June 2021. Collection method: clinical testing. Allele origin: germline. Affected: yes.
Comment: In silico analysis supports that this missense variant has a deleterious effect on protein structure/function; Has not been previously published as pathogenic or benign to our knowledge